The following is an entry in ClinVar:

ClinVar aggregate classification (germline): Conflicting classifications of pathogenicity. Review status: criteria provided, conflicting classifications (1 of 4 stars). 2 submissions from 2 submitters: Uncertain significance (1); Likely benign (1). Last evaluated 2025-12-08.

Conditions:
Cohen syndrome (COH1). Also called: PEPPER SYNDROME; Cutis verticis gyrata, retinitis pigmentosa, and sensorineural deafness. Identifiers: Orphanet 193, MedGen C0265223, MONDO:0008999, OMIM 216550.
VPS13B-related disorder. Also called: VPS13B-related condition.

Allele frequency attached by ClinVar (database versions not stated): gnomAD exomes 0.00003 and 0.00006; gnomAD 0.00004; TOPMed 0.00004; ExAC 0.00007; ESP Exome Variant Server 0.00015.
gnomAD v4.1: 55 of 1,613,902 alleles (0.0034%); highest among the groups gnomAD compares: Middle Eastern, 0.049%; 1 homozygote.

Submissions (2):

Labcorp Genetics (formerly Invitae), Labcorp
Classification: Likely benign for Cohen syndrome. Last evaluated: 2025-12-08. Review status: criteria provided, single submitter. Criteria: Invitae Variant Classification Sherloc (09022015). Collection method: clinical testing. Allele origin: germline.

PreventionGenetics, part of Exact Sciences
Classification: Uncertain significance for VPS13B-related condition. Last evaluated: 2025-08-18. Review status: criteria provided, single submitter. Criteria: ACMG Guidelines, 2015. Collection method: clinical testing. Allele origin: germline.
Comment: The VPS13B c.3784A>G variant is predicted to result in the amino acid substitution p.Thr1262Ala. To our knowledge, this variant has not been reported in the literature. This variant is reported in 0.069% of alleles in individuals of Ashkenazi Jewish descent in gnomAD, including a homozygous individual. Although we suspect this variant may be benign, at this time the clinical significance is uncertain due to the absence of conclusive functional and genetic evidence.

NM_152564.5(VPS13B):c.3784A>G (p.Thr1262Ala)

Gene: VPS13B (vacuolar protein sorting 13 homolog B; plus strand). Cytogenetic location: 8q22.2.
Variant type: single nucleotide variant.
Coding change: c.3784A>G on transcript NM_152564.5 (MANE Select); coding-DNA position 3784, A replaced by G.
Protein change: p.Thr1262Ala; replaces threonine 1262 with alanine.
Molecular consequence: missense variant.
Genome position (GRCh38, 1-based): chr8:99,481,716, A>G. VCF-style: chr8-99481716-A-G. GRCh37 (hg19) VCF-style: chr8-100493944-A-G.
Other names: c.3784A>G (NM_152564.4); c.3784A>G, p.Thr1262Ala (NM_017890.5); short protein forms T1262A.
Identifiers: ClinVar variation 575187 (VCV000575187.11), dbSNP rs199872639, ClinGen allele CA4823334.